The following is an entry in ClinVar:

ClinVar aggregate classification (germline): Uncertain significance (1 of 4 stars; one submission).

Submission:

Ambry Genetics
Classification: Uncertain significance. Last evaluated: 2026-03-11. Review status: criteria provided, single submitter. Criteria: Ambry Variant Classification Scheme 2023. Collection method: clinical testing. Allele origin: germline.
Comment: The p.G961D variant (also known as c.2882G>A), located in coding exon 16 of the PKP4 gene, results from a G to A substitution at nucleotide position 2882. The glycine at codon 961 is replaced by aspartic acid, an amino acid with similar properties. This amino acid position is conserved. In addition, this alteration is predicted to be deleterious by in silico analysis. Based on the available evidence, the clinical significance of this variant remains unclear.

NM_003628.6(PKP4):c.2882G>A (p.Gly961Asp)

Genes: PKP4-AS1 (PKP4 antisense RNA 1; minus strand), PKP4 (plakophilin 4; plus strand). Cytogenetic location: 2q24.1.
Variant type: single nucleotide variant.
Coding change: c.2882G>A on transcript NM_003628.6 (MANE Select); coding-DNA position 2882, G replaced by A.
Protein change: p.Gly961Asp; replaces glycine 961 with aspartic acid.
Molecular consequence: missense variant.
Genome position (GRCh38, 1-based): chr2:158,669,873, G>A. VCF-style: chr2-158669873-G-A. GRCh37 (hg19) VCF-style: chr2-159526385-G-A.
Other names: c.2879G>A, p.Gly960Asp (NM_001377221.1, NM_001377226.1, NM_001304969.3 and 2 more transcripts); c.2876G>A, p.Gly959Asp (NM_001377222.1, NM_001377223.1); c.2873G>A, p.Gly958Asp (NM_001377224.1); c.2882G>A, p.Gly961Asp (NM_001377225.1, NM_001005476.4, NM_001377218.1); c.1853G>A, p.Gly618Asp (NM_001304970.3); short protein forms G959D, G961D, G618D, G960D, G958D.
Identifiers: ClinVar variation 4825845 (VCV004825845.1).